The following is an entry in ClinVar:

ClinVar aggregate classification (germline): Benign/Likely benign. Review status: criteria provided, multiple submitters, no conflicts (2 of 4 stars). 4 submissions from 4 submitters: Benign (1); Likely benign (3). Last evaluated 2025-11-10.

Conditions:
NHS-related disorder. Also called: NHS-related condition.
Inborn genetic diseases. Identifiers: MedGen C0950123, MeSH D030342.
Nance-Horan syndrome (NHS). Identifiers: Orphanet 627, MedGen C0796085, MONDO:0010545, OMIM 302350.

Allele frequency attached by ClinVar (database versions not stated): ExAC 0.00003; gnomAD 0.00003; TOPMed 0.00004; gnomAD exomes 0.00010.
gnomAD v4.1: 110 of 1,209,764 alleles (0.0091%); highest among the groups gnomAD compares: Non-Finnish European, 0.012%; no homozygotes.

Submissions (4):

PreventionGenetics, part of Exact Sciences
Classification: Likely benign for NHS-related condition. Last evaluated: 2025-11-10. Review status: criteria provided, single submitter. Criteria: ACMG Guidelines, 2015. Collection method: clinical testing. Allele origin: germline.
Comment: This variant is classified as likely benign based on ACMG/AMP sequence variant interpretation guidelines (Richards et al. 2015 PMID: 25741868, with internal and published modifications).

Labcorp Genetics (formerly Invitae), Labcorp
Classification: Benign for Nance-Horan syndrome. Last evaluated: 2025-06-27. Review status: criteria provided, single submitter. Criteria: Invitae Variant Classification Sherloc (09022015). Collection method: clinical testing. Allele origin: germline.

CeGaT Center for Human Genetics Tuebingen
Classification: Likely benign. Last evaluated: 2023-11-01. Review status: criteria provided, single submitter. Criteria: CeGaT Center For Human Genetics Tuebingen Variant Classification Criteria Version 2. Collection method: clinical testing. Allele origin: germline. Affected: yes. Observed: 1 variant allele.
Comment: NHS: BS2

Ambry Genetics
Classification: Likely benign for Inborn genetic diseases. Last evaluated: 2023-05-05. Review status: criteria provided, single submitter. Criteria: Ambry Variant Classification Scheme 2023. Collection method: clinical testing. Allele origin: germline.

NM_001291867.2(NHS):c.1471G>A (p.Asp491Asn)

Gene: NHS (NHS actin remodeling regulator; plus strand). Cytogenetic location: Xp22.13.
Variant type: single nucleotide variant.
Coding change: c.1471G>A on transcript NM_001291867.2 (MANE Select); coding-DNA position 1471, G replaced by A.
Protein change: p.Asp491Asn; replaces aspartic acid 491 with asparagine.
Molecular consequence: missense variant.
Genome position (GRCh38, 1-based): chrX:17,725,577, G>A. VCF-style: chrX-17725577-G-A. GRCh37 (hg19) VCF-style: chrX-17743697-G-A.
Other names: c.940G>A, p.Asp314Asn (NM_001136024.4); c.877G>A, p.Asp293Asn (NM_001291868.2); c.1408G>A, p.Asp470Asn (NM_198270.4); c.1408G>A (NM_198270.2, NM_198270.3); short protein forms D470N, D293N, D314N, D491N.
Identifiers: ClinVar variation 1955030 (VCV001955030.31), dbSNP rs761002636, ClinGen allele CA10358624.